The following is an entry in ClinVar:

NM_000446.7(PON1):c.575A>G (p.Gln192Arg)

Gene: PON1 (paraoxonase 1; minus strand). Cytogenetic location: 7q21.3.
Variant type: single nucleotide variant.
Coding change: c.575A>G on transcript NM_000446.7 (MANE Select); coding-DNA position 575, A replaced by G.
Protein change: p.Gln192Arg; replaces glutamine 192 with arginine.
Molecular consequence: missense variant.
Genome position (GRCh38, 1-based): chr7:95,308,134, T>C on the plus strand (A>G on the coding strand, the complement: PON1 is on the minus strand). VCF-style: chr7-95308134-T-C. GRCh37 (hg19) VCF-style: chr7-94937446-T-C.
Other names: short protein forms Q192R.
Identifiers: ClinVar variation 13735 (VCV000013735.9), dbSNP rs662, ClinGen allele CA123411.

ClinVar aggregate classification (germline): Benign. Review status: criteria provided, multiple submitters, no conflicts (2 of 4 stars). 5 submissions from 5 submitters: Benign (3). 2 of the submissions do not count toward it. Last evaluated 2024-11-27.

Conditions:
PON1-related disorder. Also called: PON1-related condition.
Enzyme activity finding. Identifiers: MedGen C1827841.

Allele frequency attached by ClinVar (database versions not stated): gnomAD exomes 0.31812 and 0.37843; ExAC 0.37705; gnomAD 0.42196 and 0.42215; TOPMed 0.44562; 1000 Genomes Project 30x 0.54279; 1000 Genomes Project 0.54293.

Submissions (5):

Blueprint Genetics
Classification: Benign. Last evaluated: 2024-11-27. Review status: criteria provided, single submitter. Criteria: ACMG Guidelines, 2015. Collection method: clinical testing. Allele origin: germline.

GeneDx
Classification: Benign. Last evaluated: 2019-05-23. Review status: criteria provided, single submitter. Criteria: GeneDx Variant Classification Process June 2021. Collection method: clinical testing. Allele origin: germline. Affected: yes.
Comment: This variant is associated with the following publications: (PMID: 26122242, 25935173, 29229890, 11810302, 25036896, 24206655, 23625196, 22971504, 29409844, 30903418, 23538572, 23590198, 23054002, 24433930, 22800774, 26241956, 25153516, 15050299, 20646512, 21718208, 16239632, 19280995, 8098250, 21573798, 21465165, 19357718, 16914770, 18349088, 21783258, 19578796, 22750797, 21078685, 22796398, 20833162, 19269283, 22368149, 18708400, 23917967, 19846948, 18952040, 21820612, 20042177, 23007074, 21982484)

Breakthrough Genomics
Classification: Benign. Review status: criteria provided, single submitter. Criteria: ACMG Guidelines, 2015. Collection method: not provided. Allele origin: germline. Inheritance: Unknown mechanism. Affected: yes.

OMIM
No classification provided. Condition: RECLASSIFIED - PON1 POLYMORPHISM. Last evaluated: 2025-06-09. Review status: no classification provided. Collection method: literature only. Allele origin: germline. Not counted in ClinVar's aggregate classification.

PreventionGenetics, part of Exact Sciences
Classification: Benign for PON1-related condition. Last evaluated: 2019-10-18. Review status: no assertion criteria provided. Collection method: clinical testing. Allele origin: germline. Not counted in ClinVar's aggregate classification.
Comment: This variant is classified as benign based on ACMG/AMP sequence variant interpretation guidelines (Richards et al. 2015 PMID: 25741868, with internal and published modifications).

Literature cited by the submitters: Hamosh, A. Personal Communication. 2025. Baltimore, Md. (cited by OMIM); PubMed 8098250 (cited by OMIM); PubMed 7916578 (cited by OMIM); PubMed 9385372 (cited by OMIM); PubMed 11888590 (cited by OMIM); PubMed 8675673 (cited by OMIM); PubMed 8770857 (cited by OMIM); PubMed 9215303 (cited by OMIM); PubMed 9443884 (cited by OMIM); PubMed 11238489 (cited by OMIM); PubMed 11810302 (cited by OMIM); PubMed 12082503 (cited by OMIM); PubMed 15241482 (cited by OMIM); PubMed 21170047 (cited by OMIM).